The following is an entry in ClinVar:

ClinVar aggregate classification (germline): Pathogenic. Review status: criteria provided, multiple submitters, no conflicts (2 of 4 stars). 2 submissions from 2 submitters: Pathogenic (2). Last evaluated 2020-01-27.

Conditions:
Duchenne muscular dystrophy (DMD). Also called: MUSCULAR DYSTROPHY, PSEUDOHYPERTROPHIC PROGRESSIVE, DUCHENNE TYPE; Duchenne Muscular Dystrophy (DMD). Identifiers: Orphanet 98896, MedGen C0013264, MONDO:0010679, OMIM 310200.

Submissions (2):

Revvity Omics, Revvity
Classification: Pathogenic. Last evaluated: 2020-01-27. Review status: criteria provided, single submitter. Criteria: ACMG Guidelines, 2015. Collection method: clinical testing. Allele origin: germline.

Athena Diagnostics
Classification: Pathogenic for Duchenne muscular dystrophy. Last evaluated: 2014-07-03. Review status: criteria provided, single submitter. Criteria: Athena Diagnostics Criteria. Collection method: clinical testing. Allele origin: germline. Inheritance: X-linked recessive inheritance.
Comment: X-linked recessive inheritance

Literature cited by the submitters: PubMed 19937601 (cited by Athena Diagnostics).

NM_004006.3(DMD):c.3433-5_3434del

Gene: DMD (dystrophin; minus strand). Cytogenetic location: Xp21.1.
Variant type: Deletion.
Coding change: c.3433-5_3434del on transcript NM_004006.3 (MANE Select); 5 bases into the intron before coding-DNA position 3433 through coding-DNA position 3434, 7 bases deleted (GGAAGGT; older notation c.3433-5_3434delGGAAGGT).
Molecular consequence: splice acceptor variant.
Genome position (GRCh38, 1-based): chrX:32,454,831-32,454,837, ACCTTCC deleted on the plus strand (GGAAGGT on the coding strand, the reverse complement: DMD is on the minus strand); deleting any 7 consecutive bases within chrX:32,454,831-32,454,839 gives the same sequence; the c. name uses the placement nearest the transcript's 3' end. VCF-style (leftmost placement, unchanged base first): chrX-32454830-GACCTTCC-G. GRCh37 (hg19) VCF-style: chrX-32472947-GACCTTCC-G.
Other names: c.3421-5_3422del (NM_004009.3); c.3064-5_3065del (NM_004010.3); c.3409-5_3410del (NM_000109.4).
Identifiers: ClinVar variation 217194 (VCV000217194.5), dbSNP rs863224994, ClinGen allele CA347583.